The following is an entry in ClinVar:

ClinVar aggregate classification (germline): Uncertain significance (1 of 4 stars; one submission).

Submission:

Women's Health and Genetics/Laboratory Corporation of America, LabCorp
Classification: Uncertain significance. Last evaluated: 2019-10-15. Review status: criteria provided, single submitter. Criteria: LabCorp Variant Classification Summary - May 2015. Collection method: clinical testing. Allele origin: germline.
Comment: Variant summary: GJB2 c.362T>C (p.Ile121Thr) results in a non-conservative amino acid change located in the Gap junction beta-2 protein (Cx26) domain of the encoded protein sequence. Four of five in-silico tools predict a damaging effect of the variant on protein function. The variant was absent in 250256 control chromosomes (gnomAD). The available data on variant occurrences in the general population are insufficient to allow any conclusion about variant significance. To our knowledge, no occurrence of c.362T>C in individuals affected with Non-Syndromic Hearing Loss and no experimental evidence demonstrating an impact on protein function have been reported. No clinical diagnostic laboratories have submitted clinical-significance assessments for this variant to ClinVar after 2014. Based on the evidence outlined above, the variant was classified as uncertain significance.

NM_004004.6(GJB2):c.362T>C (p.Ile121Thr)

Gene: GJB2 (gap junction protein beta 2; minus strand). Cytogenetic location: 13q12.11.
Variant type: single nucleotide variant.
Coding change: c.362T>C on transcript NM_004004.6 (MANE Select); coding-DNA position 362, T replaced by C.
Protein change: p.Ile121Thr; replaces isoleucine 121 with threonine.
Molecular consequence: missense variant.
Genome position (GRCh38, 1-based): chr13:20,189,220, A>G on the plus strand (T>C on the coding strand, the complement: GJB2 is on the minus strand). VCF-style: chr13-20189220-A-G. GRCh37 (hg19) VCF-style: chr13-20763359-A-G.
Other names: short protein forms I121T.
Identifiers: ClinVar variation 928777 (VCV000928777.1), dbSNP rs1959058587, ClinGen allele CA387461302.